The following is an entry in ClinVar:

ClinVar aggregate classification (germline): Pathogenic. Review status: criteria provided, multiple submitters, no conflicts (2 of 4 stars). 2 submissions from 2 submitters: Pathogenic (2). Last evaluated 2025-07-25.

Conditions:
Familial hemophagocytic lymphohistiocytosis 3 (FHL3). Also called: UNC13D-Related Familial Hemophagocytic Lymphohistiocytosis (UNC13D-fHLH). Identifiers: Orphanet 540, MedGen C1837174, MONDO:0012146, OMIM 608898.

gnomAD v4.1: 1 of 1,613,290 alleles (0.000062%); highest among the groups gnomAD compares: Admixed American, 0.0017%; no homozygotes.

Submissions (2):

Labcorp Genetics (formerly Invitae), Labcorp
Classification: Pathogenic for Familial hemophagocytic lymphohistiocytosis 3. Last evaluated: 2025-07-25. Review status: criteria provided, single submitter. Criteria: Invitae Variant Classification Sherloc (09022015). Collection method: clinical testing. Allele origin: germline.
Comment: This sequence change creates a premature translational stop signal (p.Ser574*) in the UNC13D gene. It is expected to result in an absent or disrupted protein product. Loss-of-function variants in UNC13D are known to be pathogenic (PMID: 14622600). This variant is present in population databases (no rsID available, gnomAD 0.003%). This variant has not been reported in the literature in individuals affected with UNC13D-related conditions. ClinVar contains an entry for this variant (Variation ID: 2985199). For these reasons, this variant has been classified as Pathogenic.

3billion
Classification: Pathogenic for Familial hemophagocytic lymphohistiocytosis 3. Last evaluated: 2025-01-21. Review status: criteria provided, single submitter. Criteria: ACMG Guidelines, 2015. Collection method: clinical testing. Allele origin: germline. Affected: yes.
Comment: The variant is observed at an extremely low frequency in the gnomAD v4.1.0 dataset (total allele frequency: <0.001%). Predicted Consequence/Location: Stop-gained (nonsense): predicted to result in a loss or disruption of normal protein function through nonsense-mediated decay (NMD) or protein truncation. Multiple pathogenic variants are reported downstream of the variant. The variant has been reported to be associated with UNC13D-related disorder (ClinVar ID: VCV002985199). Therefore, this variant is classified as Pathogenic according to the recommendation of ACMG/AMP guideline.

Literature cited by the submitters: PubMed 14622600 (cited by Labcorp Genetics (formerly Invitae), Labcorp).

NM_199242.3(UNC13D):c.1721C>G (p.Ser574Ter)

Gene: UNC13D (unc-13 homolog D; minus strand). Cytogenetic location: 17q25.1.
Variant type: single nucleotide variant.
Coding change: c.1721C>G on transcript NM_199242.3 (MANE Select); coding-DNA position 1721, C replaced by G.
Protein change: p.Ser574Ter; replaces serine 574 with a stop codon.
Molecular consequence: nonsense.
Genome position (GRCh38, 1-based): chr17:75,835,653, G>C on the plus strand (C>G on the coding strand, the complement: UNC13D is on the minus strand). VCF-style: chr17-75835653-G-C. GRCh37 (hg19) VCF-style: chr17-73831734-G-C.
Other names: short protein forms S574*.
Identifiers: ClinVar variation 2985199 (VCV002985199.4), dbSNP rs981574088, ClinGen allele CA401093534.